The following is an entry in ClinVar:

ClinVar aggregate classification (germline): Likely benign. Review status: criteria provided, single submitter (1 of 4 stars). 2 submissions from 2 submitters: Likely benign (1). 1 of the submissions does not count toward it. Last evaluated 2023-08-17.

Conditions:
LAMA5-related disorder. Also called: LAMA5-Related Disorders; LAMA5-related condition.

Allele frequency attached by ClinVar (database versions not stated): ExAC 0.00001; TOPMed 0.00004; gnomAD 0.00007.
gnomAD v4.1: 32 of 1,592,600 alleles (0.002%); highest among the groups gnomAD compares: African/African-American, 0.004%; no homozygotes.

Submissions (2):

Labcorp Genetics (formerly Invitae), Labcorp
Classification: Likely benign. Last evaluated: 2023-08-17. Review status: criteria provided, single submitter. Criteria: Invitae Variant Classification Sherloc (09022015). Collection method: clinical testing. Allele origin: germline.

PreventionGenetics, part of Exact Sciences
Classification: Likely benign for LAMA5-related condition. Last evaluated: 2021-01-04. Review status: no assertion criteria provided. Collection method: clinical testing. Allele origin: germline. Not counted in ClinVar's aggregate classification.
Comment: This variant is classified as likely benign based on ACMG/AMP sequence variant interpretation guidelines (Richards et al. 2015 PMID: 25741868, with internal and published modifications).

NM_005560.6(LAMA5):c.10383C>T (p.His3461=)

Gene: LAMA5 (laminin subunit alpha 5; minus strand). Cytogenetic location: 20q13.33.
Variant type: single nucleotide variant.
Coding change: c.10383C>T on transcript NM_005560.6 (MANE Select); coding-DNA position 10383, C replaced by T.
Protein change: p.His3461=; no amino-acid change (histidine 3461 retained).
Molecular consequence: synonymous variant.
Genome position (GRCh38, 1-based): chr20:62,310,728, G>A on the plus strand (C>T on the coding strand, the complement: LAMA5 is on the minus strand). VCF-style: chr20-62310728-G-A. GRCh37 (hg19) VCF-style: chr20-60885784-G-A.
Other names: c.10383C>T (NM_005560.4).
Identifiers: ClinVar variation 2415266 (VCV002415266.9), dbSNP rs752546769, ClinGen allele CA9939813.